The following is an entry in ClinVar:

ClinVar aggregate classification (germline): Uncertain significance (1 of 4 stars; one submission).

Submission:

Labcorp Genetics (formerly Invitae), Labcorp
Classification: Uncertain significance. Last evaluated: 2022-01-26. Review status: criteria provided, single submitter. Criteria: Invitae Variant Classification Sherloc (09022015). Collection method: clinical testing. Allele origin: germline.
Comment: In summary, the available evidence is currently insufficient to determine the role of this variant in disease. Therefore, it has been classified as a Variant of Uncertain Significance. Algorithms developed to predict the effect of missense changes on protein structure and function are either unavailable or do not agree on the potential impact of this missense change (SIFT: "Deleterious"; PolyPhen-2: "Benign"; Align-GVGD: "Class C0"). This variant has not been reported in the literature in individuals affected with CEP78-related conditions. This variant is not present in population databases (gnomAD no frequency). This sequence change replaces isoleucine, which is neutral and non-polar, with methionine, which is neutral and non-polar, at codon 666 of the CEP78 protein (p.Ile666Met).

NM_001330691.3(CEP78):c.1995T>G (p.Ile665Met)

Gene: CEP78 (centrosomal protein 78; plus strand). Cytogenetic location: 9q21.2.
Variant type: single nucleotide variant.
Coding change: c.1995T>G on transcript NM_001330691.3 (MANE Select); coding-DNA position 1995, T replaced by G.
Protein change: p.Ile665Met; replaces isoleucine 665 with methionine.
Molecular consequence: missense variant.
Genome position (GRCh38, 1-based): chr9:78,266,591, T>G. VCF-style: chr9-78266591-T-G. GRCh37 (hg19) VCF-style: chr9-80881507-T-G.
Other names: c.1998T>G, p.Ile666Met (NM_001098802.3, NM_001349839.2); c.1947T>G, p.Ile649Met (NM_001330693.3, NM_001330694.2); c.1995T>G, p.Ile665Met (NM_001349838.2); c.1950T>G, p.Ile650Met (NM_001349840.2, NM_032171.3); short protein forms I649M, I650M, I665M, I666M.
Identifiers: ClinVar variation 2090078 (VCV002090078.4), dbSNP rs2489544993, ClinGen allele CA373867446.